The following is an entry in ClinVar:

NM_001042492.3(NF1):c.6132del (p.Lys2044fs)

Gene: NF1 (neurofibromin 1; plus strand). Cytogenetic location: 17q11.2.
Variant type: Deletion.
Coding change: c.6132del on transcript NM_001042492.3 (MANE Select); coding-DNA position 6132, one base deleted (A; older notation c.6132delA).
Protein change: p.Lys2044fs; shifts the reading frame from lysine 2044.
Molecular consequence: frameshift variant.
Genome position (GRCh38, 1-based): chr17:31,336,458, A deleted; the last of 3 consecutive A bases (chr17:31,336,456-31,336,458); deleting any one gives the same sequence. VCF-style (leftmost placement, unchanged base first): chr17-31336455-GA-G. GRCh37 (hg19) VCF-style: chr17-29663473-GA-G.
Other names: c.6069delA (NM_000267.3); c.6069delA, p.Lys2023Asnfs (NM_000267.4); short protein forms K2044fs, K2023fs.
Identifiers: ClinVar variation 1751360 (VCV001751360.2), dbSNP rs2508745600, ClinGen allele CA2580093052.

ClinVar aggregate classification (germline): Pathogenic (1 of 4 stars; one submission).

Conditions:
Cardiovascular phenotype. Identifiers: MedGen CN230736.
Hereditary cancer-predisposing syndrome. Also called: Hereditary Cancer Syndrome; Hereditary neoplastic syndrome; Neoplastic Syndromes, Hereditary; Tumor predisposition. Identifiers: Orphanet 140162, MedGen C0027672, MeSH D009386, MONDO:0015356.

Submission:

Ambry Genetics
Classification: Pathogenic for Cardiovascular phenotype; Hereditary cancer-predisposing syndrome. Last evaluated: 2022-10-14. Review status: criteria provided, single submitter. Criteria: Ambry Variant Classification Scheme 2023. Collection method: clinical testing. Allele origin: germline.
Comment: The c.6069delA variant, located in coding exon 40 of the NF1 gene, results from a deletion of one nucleotide at nucleotide position 6069, causing a translational frameshift with a predicted alternate stop codon (p.K2023Nfs*14). This alteration is expected to result in loss of function by premature protein truncation or nonsense-mediated mRNA decay. As such, this alteration is interpreted as a disease-causing mutation.